The following is an entry in ClinVar:

ClinVar aggregate classification (germline): Likely benign (0 of 4 stars; one submission).

Conditions:
CACNA1I-related disorder. Also called: CACNA1I-related condition.

gnomAD v4.1: 153 of 1,530,774 alleles (0.01%); highest among the groups gnomAD compares: Non-Finnish European, 0.012%; no homozygotes.

Submission:

PreventionGenetics, part of Exact Sciences
Classification: Likely benign for CACNA1I-related condition. Last evaluated: 2024-09-10. Review status: no assertion criteria provided. Collection method: clinical testing. Allele origin: germline.
Comment: This variant is classified as likely benign based on ACMG/AMP sequence variant interpretation guidelines (Richards et al. 2015 PMID: 25741868, with internal and published modifications).

NM_021096.4(CACNA1I):c.1422C>T (p.Pro474=)

Gene: CACNA1I (calcium voltage-gated channel subunit alpha1 I; plus strand). Cytogenetic location: 22q13.1.
Variant type: single nucleotide variant.
Coding change: c.1422C>T on transcript NM_021096.4 (MANE Select); coding-DNA position 1422, C replaced by T.
Protein change: p.Pro474=; no amino-acid change (proline 474 retained).
Molecular consequence: synonymous variant.
Genome position (GRCh38, 1-based): chr22:39,646,841, C>T. VCF-style: chr22-39646841-C-T. GRCh37 (hg19) VCF-style: chr22-40042846-C-T.
Other names: c.1422C>T, p.Pro474= (NM_001003406.2).
Identifiers: ClinVar variation 3355704 (VCV003355704.1).